The following is an entry in ClinVar:

NM_000038.6(APC):c.6816A>T (p.Arg2272Ser)

Gene: APC (APC regulator of Wnt signaling pathway; plus strand). Cytogenetic location: 5q22.2.
Variant type: single nucleotide variant.
Coding change: c.6816A>T on transcript NM_000038.6 (MANE Select); coding-DNA position 6816, A replaced by T.
Protein change: p.Arg2272Ser; replaces arginine 2272 with serine.
Molecular consequence: missense variant.
Genome position (GRCh38, 1-based): chr5:112,842,410, A>T. VCF-style: chr5-112842410-A-T. GRCh37 (hg19) VCF-style: chr5-112178107-A-T.
Other names: c.6816A>T, p.Arg2272Ser (NM_001127510.3, NM_001354895.2); c.6762A>T, p.Arg2254Ser (NM_001127511.3); c.6870A>T, p.Arg2290Ser (NM_001354896.2); c.6846A>T, p.Arg2282Ser (NM_001354897.2); c.6741A>T, p.Arg2247Ser (NM_001354898.2); c.6732A>T, p.Arg2244Ser (NM_001354899.2); c.6693A>T, p.Arg2231Ser (NM_001354900.2); c.6639A>T, p.Arg2213Ser (NM_001354901.2); and 5 more; short protein forms R2112S, R2171S, R2231S, R2272S, R2146S, R2181S, R2213S, R2244S.
Identifiers: ClinVar variation 826639 (VCV000826639.10), dbSNP rs1580675122, ClinGen allele CA16036214.

ClinVar aggregate classification (germline): Uncertain significance. Review status: criteria provided, multiple submitters, no conflicts (2 of 4 stars). 2 submissions from 2 submitters: Uncertain significance (2). Last evaluated 2023-05-01.

Conditions:
Familial adenomatous polyposis 1 (FAP1). Also called: POLYPOSIS, ADENOMATOUS INTESTINAL; FAMILIAL ADENOMATOUS POLYPOSIS 1, ATTENUATED. Identifiers: MedGen C2713442, MONDO:0021056, OMIM 175100. Disease mechanism: loss of function.
Hereditary cancer-predisposing syndrome. Also called: Neoplastic Syndromes, Hereditary; Tumor predisposition; Hereditary neoplastic syndrome; Hereditary Cancer Syndrome. Identifiers: Orphanet 140162, MedGen C0027672, MeSH D009386, MONDO:0015356.

Submissions (2):

Labcorp Genetics (formerly Invitae), Labcorp
Classification: Uncertain significance for Familial adenomatous polyposis 1. Last evaluated: 2023-05-01. Review status: criteria provided, single submitter. Criteria: Invitae Variant Classification Sherloc (09022015). Collection method: clinical testing. Allele origin: germline.
Comment: In summary, the available evidence is currently insufficient to determine the role of this variant in disease. Therefore, it has been classified as a Variant of Uncertain Significance. Advanced modeling of protein sequence and biophysical properties (such as structural, functional, and spatial information, amino acid conservation, physicochemical variation, residue mobility, and thermodynamic stability) performed at Invitae indicates that this missense variant is not expected to disrupt APC protein function. ClinVar contains an entry for this variant (Variation ID: 826639). This variant has not been reported in the literature in individuals affected with APC-related conditions. This variant is not present in population databases (gnomAD no frequency). This sequence change replaces arginine, which is basic and polar, with serine, which is neutral and polar, at codon 2272 of the APC protein (p.Arg2272Ser).

Ambry Genetics
Classification: Uncertain significance for Hereditary cancer-predisposing syndrome. Last evaluated: 2018-08-15. Review status: criteria provided, single submitter. Criteria: Ambry Variant Classification Scheme 2023. Collection method: clinical testing. Allele origin: germline.
Comment: The p.R2272S variant (also known as c.6816A>T), located in coding exon 15 of the APC gene, results from an A to T substitution at nucleotide position 6816. The arginine at codon 2272 is replaced by serine, an amino acid with dissimilar properties. This amino acid position is highly conserved in available vertebrate species. In addition, in silico predictors for this gene do not accurately predict pathogenicity. Since supporting evidence is limited at this time, the clinical significance of this alteration remains unclear.